The following is an entry in ClinVar:

NM_022166.4(XYLT1):c.1874C>G (p.Pro625Arg)

Genes: XYLT1 (xylosyltransferase 1; minus strand), LOC102723692 (uncharacterized LOC102723692; plus strand). Cytogenetic location: 16p12.3.
Variant type: single nucleotide variant.
Coding change: c.1874C>G on transcript NM_022166.4 (MANE Select); coding-DNA position 1874, C replaced by G.
Protein change: p.Pro625Arg; replaces proline 625 with arginine.
Molecular consequence: missense variant.
Genome position (GRCh38, 1-based): chr16:17,134,626, G>C on the plus strand (C>G on the coding strand, the complement: XYLT1 is on the minus strand). VCF-style: chr16-17134626-G-C. GRCh37 (hg19) VCF-style: chr16-17228483-G-C.
Other names: short protein forms P625R.
Identifiers: ClinVar variation 3697794 (VCV003697794.2).
Genomic context (GRCh38, chr16:17,134,626, plus strand): 5'-CTCAGGCTGTGGATGCCGTCAGGCTCATCGTAGACATTCTCCCAGTAGGAGCGCAGGCCC[G>C]GGGTACCTGCAGGGTAGTTCCCGTACAGGTAATAGTCCAGCTGCCCAATGATTTCCTGAT-3'
Protein context (NP_071449.1, residues 615-635): YLYGNYPAGT[Pro625Arg]GLRSYWENVY

ClinVar aggregate classification (germline): Uncertain significance (1 of 4 stars; one submission).

Conditions:
Desbuquois dysplasia 1 (DBQD1). Also called: MICROMELIC DWARFISM WITH VERTEBRAL AND METAPHYSEAL ABNORMALITIES AND ADVANCED CARPOTARSAL OSSIFICATION; DESBUQUOIS DYSPLASIA 1, KIM VARIANT. Identifiers: Orphanet 1425, MedGen C4012146, MONDO:0009629, OMIM 251450.

gnomAD v4.1: 4 of 1,614,086 alleles (0.00025%); highest among the groups gnomAD compares: South Asian, 0.0022%; no homozygotes.

Submission:

Labcorp Genetics (formerly Invitae), Labcorp
Classification: Uncertain significance for Desbuquois dysplasia 1. Last evaluated: 2024-09-19. Review status: criteria provided, single submitter. Criteria: Invitae Variant Classification Sherloc (09022015). Collection method: clinical testing. Allele origin: germline.
Comment: This sequence change replaces proline, which is neutral and non-polar, with arginine, which is basic and polar, at codon 625 of the XYLT1 protein (p.Pro625Arg). This variant is present in population databases (no rsID available, gnomAD 0.006%). This variant has not been reported in the literature in individuals affected with XYLT1-related conditions. Invitae Evidence Modeling of protein sequence and biophysical properties (such as structural, functional, and spatial information, amino acid conservation, physicochemical variation, residue mobility, and thermodynamic stability) indicates that this missense variant is not expected to disrupt XYLT1 protein function with a negative predictive value of 80%. In summary, the available evidence is currently insufficient to determine the role of this variant in disease. Therefore, it has been classified as a Variant of Uncertain Significance.